The following is an entry in ClinVar:

ClinVar aggregate classification (germline): Uncertain significance (1 of 4 stars; one submission).

Conditions:
Neuroblastoma, susceptibility to, 3. Also called: ALK-Related Neuroblastic Tumor Susceptibility. Identifiers: Orphanet 635, MedGen C2751681, MONDO:0013083, OMIM 613014.

Submission:

Labcorp Genetics (formerly Invitae), Labcorp
Classification: Uncertain significance for Neuroblastoma, susceptibility to, 3. Last evaluated: 2021-10-11. Review status: criteria provided, single submitter. Criteria: Invitae Variant Classification Sherloc (09022015). Collection method: clinical testing. Allele origin: germline.
Comment: In summary, the available evidence is currently insufficient to determine the role of this variant in disease. Therefore, it has been classified as a Variant of Uncertain Significance. Algorithms developed to predict the effect of missense changes on protein structure and function are either unavailable or do not agree on the potential impact of this missense change (SIFT: "Deleterious"; PolyPhen-2: "Probably Damaging"; Align-GVGD: "Class C0"). This variant has not been reported in the literature in individuals affected with ALK-related conditions. This variant is not present in population databases (ExAC no frequency). This sequence change replaces cysteine with glycine at codon 425 of the ALK protein (p.Cys425Gly). The cysteine residue is highly conserved and there is a large physicochemical difference between cysteine and glycine.

NM_004304.5(ALK):c.1273T>G (p.Cys425Gly)

Gene: ALK (ALK receptor tyrosine kinase; minus strand). Cytogenetic location: 2p23.2.
Variant type: single nucleotide variant.
Coding change: c.1273T>G on transcript NM_004304.5 (MANE Select); coding-DNA position 1273, T replaced by G.
Protein change: p.Cys425Gly; replaces cysteine 425 with glycine.
Molecular consequence: missense variant.
Genome position (GRCh38, 1-based): chr2:29,383,741, A>C on the plus strand (T>G on the coding strand, the complement: ALK is on the minus strand). VCF-style: chr2-29383741-A-C. GRCh37 (hg19) VCF-style: chr2-29606607-A-C.
Other names: short protein forms C425G.
Identifiers: ClinVar variation 1492803 (VCV001492803.6), dbSNP rs2148301432, ClinGen allele CA346585039.